The following is an entry in ClinVar:

NM_001127464.1:c.6596C>T

Gene: ZNF469 (zinc finger protein 469; plus strand).
Variant type: single nucleotide variant.
Identifiers: ClinVar variation 4615458 (VCV004615458.1).

ClinVar aggregate classification (germline): Uncertain significance (1 of 4 stars; one submission).

Conditions:
Cardiovascular phenotype. Identifiers: MedGen CN230736.

Submission:

Ambry Genetics
Classification: Uncertain significance for Cardiovascular phenotype. Last evaluated: 2025-10-12. Review status: criteria provided, single submitter. Criteria: Ambry Variant Classification Scheme 2023. Collection method: clinical testing. Allele origin: germline.
Comment: The p.S2199F variant (also known as c.6596C>T), located in coding exon 2 of the ZNF469 gene, results from a C to T substitution at nucleotide position 6596. The serine at codon 2199 is replaced by phenylalanine, an amino acid with highly dissimilar properties. This amino acid position is conserved. In addition, this alteration is predicted to be tolerated by in silico analysis. Based on the available evidence, the clinical significance of this variant remains unclear.